The following is an entry in ClinVar:

ClinVar aggregate classification (germline): Uncertain significance. Review status: criteria provided, multiple submitters, no conflicts (2 of 4 stars). 2 submissions from 2 submitters: Uncertain significance (2). Last evaluated 2025-03-04.

Conditions:
Hereditary diffuse gastric adenocarcinoma (HDGC). Also called: DIFFUSE GASTRIC AND LOBULAR BREAST CANCER SYNDROME. Identifiers: Orphanet 26106, MedGen C1708349, MONDO:0007648, OMIM 137215.
Hereditary cancer-predisposing syndrome. Also called: Hereditary Cancer Syndrome; Hereditary neoplastic syndrome; Tumor predisposition; Neoplastic Syndromes, Hereditary. Identifiers: Orphanet 140162, MedGen C0027672, MeSH D009386, MONDO:0015356.

Allele frequency attached by ClinVar (database versions not stated): gnomAD exomes below 0.00001.
gnomAD v4.1: 1 of 1,614,218 alleles (0.000062%); highest among the groups gnomAD compares: Non-Finnish European, 0.000085%; no homozygotes.

Submissions (2):

Labcorp Genetics (formerly Invitae), Labcorp
Classification: Uncertain significance for Hereditary diffuse gastric adenocarcinoma. Last evaluated: 2025-03-04. Review status: criteria provided, single submitter. Criteria: Invitae Variant Classification Sherloc (09022015). Collection method: clinical testing. Allele origin: germline.
Comment: This sequence change replaces serine, which is neutral and polar, with asparagine, which is neutral and polar, at codon 838 of the CDH1 protein (p.Ser838Asn). This variant is not present in population databases (gnomAD no frequency). This variant has not been reported in the literature in individuals affected with CDH1-related conditions. ClinVar contains an entry for this variant (Variation ID: 2775048). An algorithm developed to predict the effect of missense changes on protein structure and function outputs the following: PolyPhen-2: "Benign". The asparagine amino acid residue is found in multiple mammalian species, which suggests that this missense change does not adversely affect protein function. In summary, the available evidence is currently insufficient to determine the role of this variant in disease. Therefore, it has been classified as a Variant of Uncertain Significance.

Color Diagnostics, LLC DBA Color Health
Classification: Uncertain significance for Hereditary cancer-predisposing syndrome. Last evaluated: 2023-12-05. Review status: criteria provided, single submitter. Criteria: ACMG Guidelines, 2015. Collection method: clinical testing. Allele origin: germline.
Comment: This missense variant replaces serine with asparagine at codon 838 of the CDH1 protein. To our knowledge, functional studies have not been reported for this variant. This variant has not been reported in individuals affected with hereditary cancer in the literature. This variant has not been identified in the general population by the Genome Aggregation Database (gnomAD). The available evidence is insufficient to determine the role of this variant in disease conclusively. Therefore, this variant is classified as a Variant of Uncertain Significance.

NM_004360.5(CDH1):c.2513G>A (p.Ser838Asn)

Gene: CDH1 (cadherin 1; plus strand). Cytogenetic location: 16q22.1.
Variant type: single nucleotide variant.
Coding change: c.2513G>A on transcript NM_004360.5 (MANE Select); coding-DNA position 2513, G replaced by A.
Protein change: p.Ser838Asn; replaces serine 838 with asparagine.
Molecular consequence: missense variant.
Genome position (GRCh38, 1-based): chr16:68,833,363, G>A. VCF-style: chr16-68833363-G-A. GRCh37 (hg19) VCF-style: chr16-68867266-G-A.
Other names: c.2330G>A, p.Ser777Asn (NM_001317184.2); c.965G>A, p.Ser322Asn (NM_001317185.2); c.548G>A, p.Ser183Asn (NM_001317186.2); short protein forms S322N, S183N, S838N, S777N.
Identifiers: ClinVar variation 2775048 (VCV002775048.5), dbSNP rs2152143972, ClinGen allele CA396472256.